The following is an entry in ClinVar:

ClinVar aggregate classification (germline): Uncertain significance (1 of 4 stars; one submission).

Allele frequency attached by ClinVar (database versions not stated): TOPMed 0.00001; gnomAD 0.00001; gnomAD exomes 0.00001; ExAC 0.00002.
gnomAD v4.1: 14 of 1,610,888 alleles (0.00087%); highest among the groups gnomAD compares: South Asian, 0.0011%; no homozygotes.

Submission:

Labcorp Genetics (formerly Invitae), Labcorp
Classification: Uncertain significance. Last evaluated: 2025-09-09. Review status: criteria provided, single submitter. Criteria: Invitae Variant Classification Sherloc (09022015). Collection method: clinical testing. Allele origin: germline.
Comment: This sequence change replaces aspartic acid, which is acidic and polar, with glutamic acid, which is acidic and polar, at codon 46 of the RPL15 protein (p.Asp46Glu). This variant is present in population databases (rs778175191, gnomAD 0.003%). This variant has not been reported in the literature in individuals affected with RPL15-related conditions. ClinVar contains an entry for this variant (Variation ID: 2171701). An algorithm developed to predict the effect of missense changes on protein structure and function (PolyPhen-2) suggests that this variant is likely to be tolerated. In summary, the available evidence is currently insufficient to determine the role of this variant in disease. Therefore, it has been classified as a Variant of Uncertain Significance.

NM_002948.5(RPL15):c.138T>G (p.Asp46Glu)

Genes: NKIRAS1 (NFKB inhibitor interacting Ras like 1; minus strand), RPL15 (ribosomal protein L15; plus strand). Cytogenetic location: 3p24.2.
Variant type: single nucleotide variant.
Coding change: c.138T>G on transcript NM_002948.5 (MANE Select); coding-DNA position 138, T replaced by G.
Protein change: p.Asp46Glu; replaces aspartic acid 46 with glutamic acid.
Molecular consequence: missense variant. On other transcripts: intron variant (1).
Genome position (GRCh38, 1-based): chr3:23,917,997, T>G. VCF-style: chr3-23917997-T-G. GRCh37 (hg19) VCF-style: chr3-23959488-T-G.
Other names: c.138T>G, p.Asp46Glu (NM_001253379.2, NM_001253380.2, NM_001253382.2 and 2 more transcripts); c.-139-6547A>C (NM_001377380.1); short protein forms D46E.
Identifiers: ClinVar variation 2171701 (VCV002171701.3), dbSNP rs778175191, ClinGen allele CA2286436.